The following is an entry in ClinVar:

NM_001386135.1(AFF3):c.387A>G (p.Thr129=)

Gene: AFF3 (ALF transcription elongation factor 3; minus strand). Cytogenetic location: 2q11.2.
Variant type: single nucleotide variant.
Coding change: c.387A>G on transcript NM_001386135.1 (MANE Select); coding-DNA position 387, A replaced by G.
Protein change: p.Thr129=; no amino-acid change (threonine 129 retained).
Molecular consequence: synonymous variant.
Genome position (GRCh38, 1-based): chr2:100,007,248, T>C on the plus strand (A>G on the coding strand, the complement: AFF3 is on the minus strand). VCF-style: chr2-100007248-T-C. GRCh37 (hg19) VCF-style: chr2-100623710-T-C.
Other names: c.462A>G, p.Thr154= (NM_001025108.2); c.387A>G, p.Thr129= (NM_002285.3).
Identifiers: ClinVar variation 2651202 (VCV002651202.24), dbSNP rs150214170, ClinGen allele CA1801521.

ClinVar aggregate classification (germline): Likely benign (1 of 4 stars; one submission).

Allele frequency attached by ClinVar (database versions not stated): 1000 Genomes Project 30x 0.00031; 1000 Genomes Project 0.00040; ExAC 0.00044; gnomAD 0.00044; TOPMed 0.00045; ESP Exome Variant Server 0.00069; gnomAD exomes 0.00083.
gnomAD v4.1: 1,260 of 1,614,104 alleles (0.078%); highest among the groups gnomAD compares: Non-Finnish European, 0.1%; no homozygotes.

Submission:

CeGaT Center for Human Genetics Tuebingen
Classification: Likely benign. Last evaluated: 2023-05-01. Review status: criteria provided, single submitter. Criteria: CeGaT Center For Human Genetics Tuebingen Variant Classification Criteria Version 2. Collection method: clinical testing. Allele origin: germline. Affected: yes. Observed: 1 variant allele.
Comment: AFF3: BP4, BP7